The following is an entry in ClinVar:

NM_000894.3(LHB):c.169T>C (p.Tyr57His)

Gene: LHB (luteinizing hormone subunit beta; minus strand). Cytogenetic location: 19q13.33.
Variant type: single nucleotide variant.
Coding change: c.169T>C on transcript NM_000894.3 (MANE Select); coding-DNA position 169, T replaced by C.
Protein change: p.Tyr57His; replaces tyrosine 57 with histidine.
Molecular consequence: missense variant.
Genome position (GRCh38, 1-based): chr19:49,016,561, A>G on the plus strand (T>C on the coding strand, the complement: LHB is on the minus strand). VCF-style: chr19-49016561-A-G. GRCh37 (hg19) VCF-style: chr19-49519818-A-G.
Other names: short protein forms Y57H.
Identifiers: ClinVar variation 2413647 (VCV002413647.6), dbSNP rs371722800, ClinGen allele CA9564385.

ClinVar aggregate classification (germline): Uncertain significance (1 of 4 stars; one submission).

Allele frequency attached by ClinVar (database versions not stated): gnomAD 0.00006; TOPMed 0.00006; ExAC 0.00007; ESP Exome Variant Server 0.00008; gnomAD exomes 0.00012.
gnomAD v4.1: 190 of 1,608,914 alleles (0.012%); highest among the groups gnomAD compares: East Asian, 0.2%; no homozygotes.

Submission:

Labcorp Genetics (formerly Invitae), Labcorp
Classification: Uncertain significance. Last evaluated: 2024-10-29. Review status: criteria provided, single submitter. Criteria: Invitae Variant Classification Sherloc (09022015). Collection method: clinical testing. Allele origin: germline.
Comment: This sequence change replaces tyrosine, which is neutral and polar, with histidine, which is basic and polar, at codon 57 of the LHB protein (p.Tyr57His). This variant is present in population databases (rs371722800, gnomAD 0.02%). This variant has not been reported in the literature in individuals affected with LHB-related conditions. ClinVar contains an entry for this variant (Variation ID: 2413647). An algorithm developed to predict the effect of missense changes on protein structure and function (PolyPhen-2) suggests that this variant is likely to be disruptive. In summary, the available evidence is currently insufficient to determine the role of this variant in disease. Therefore, it has been classified as a Variant of Uncertain Significance.